The following is an entry in ClinVar:

ClinVar aggregate classification (germline): Benign/Likely benign. Review status: criteria provided, multiple submitters, no conflicts (2 of 4 stars). 3 submissions from 3 submitters: Benign (1); Likely benign (2). Last evaluated 2026-01-06.

Conditions:
Primary dilated cardiomyopathy (DCM). Also called: Dilated Cardiomyopathy. Identifiers: Orphanet 217604, MedGen C0007193, MeSH D002311, MONDO:0005021, HP:0001644. Inheritance: Various modes of inheritance.

Allele frequency attached by ClinVar (database versions not stated): ExAC 0.00007; ESP Exome Variant Server 0.00008; TOPMed 0.00015; gnomAD 0.00022.
gnomAD v4.1: 302 of 1,578,316 alleles (0.019%); highest among the groups gnomAD compares: Non-Finnish European, 0.025%; no homozygotes.

Submissions (3):

Labcorp Genetics (formerly Invitae), Labcorp
Classification: Likely benign for Primary dilated cardiomyopathy. Last evaluated: 2026-01-06. Review status: criteria provided, single submitter. Criteria: Invitae Variant Classification Sherloc (09022015). Collection method: clinical testing. Allele origin: germline.

GeneDx
Classification: Benign. Last evaluated: 2015-04-13. Review status: criteria provided, single submitter. Criteria: GeneDx Variant Classification (06012015). Collection method: clinical testing. Allele origin: germline. Affected: yes.
Comment: This variant is considered likely benign or benign based on one or more of the following criteria: it is a conservative change, it occurs at a poorly conserved position in the protein, it is predicted to be benign by multiple in silico algorithms, and/or has population frequency not consistent with disease.

Laboratory for Molecular Medicine, Mass General Brigham Personalized Medicine
Classification: Likely benign. Last evaluated: 2012-03-19. Review status: criteria provided, single submitter. Criteria: LMM Criteria. Collection method: clinical testing. Allele origin: germline. Observed: 1 variant allele.
Comment: 1449+14G>A in intron 14 of NEBL: This variant is not expected to have clinical s ignificance because it is not located within the splice consensus sequence. It h as been identified in 1/7020 European American chromosomes from a broad populati on by the NHLBI Exome Sequencing Project. 14 49+14G>A in intron 14 of NEBL (allele frequency= 1/7020) **

NM_006393.3(NEBL):c.1449+14G>A

Gene: NEBL (nebulette; minus strand). Cytogenetic location: 10p12.31.
Variant type: single nucleotide variant.
Coding change: c.1449+14G>A on transcript NM_006393.3 (MANE Select); 14 bases into the intron after coding-DNA position 1449, G replaced by A.
Molecular consequence: intron variant.
Genome position (GRCh38, 1-based): chr10:20,835,499, C>T on the plus strand (G>A on the coding strand, the complement: NEBL is on the minus strand). VCF-style: chr10-20835499-C-T. GRCh37 (hg19) VCF-style: chr10-21124428-C-T.
Other names: c.250-22559G>A (NM_001377326.1, NM_001377327.1, NM_001377328.1); c.358-22559G>A (NM_213569.2, NM_001173484.2, NM_001377322.1); c.301-22559G>A (NM_001377324.1); c.292-22559G>A (NM_001377325.1); c.310-22559G>A (NM_001377323.1).
Identifiers: ClinVar variation 45480 (VCV000045480.13), dbSNP rs373699154, ClinGen allele CA136402.